The following is an entry in ClinVar:

ClinVar aggregate classification (germline): Conflicting classifications of pathogenicity. Review status: criteria provided, conflicting classifications (1 of 4 stars). 12 submissions from 12 submitters: Pathogenic (8); Likely pathogenic (3); Uncertain significance (1). Last evaluated 2026-01-26.

Conditions:
Generalized epilepsy with febrile seizures plus, type 2 (GEFSP2). Also called: GEFS+, TYPE 2. Identifiers: Orphanet 36387, MedGen C1858673, MONDO:0011461, OMIM 604403.
Developmental and epileptic encephalopathy 6B. Also called: Developmental and epileptic encephalopathy 6B, non-Dravet. Identifiers: MedGen C5543353, MONDO:0030268, OMIM 619317.
Severe myoclonic epilepsy in infancy (DRVT). Also called: SEVERE MYOCLONIC EPILEPSY OF INFANCY; DEVELOPMENTAL AND EPILEPTIC ENCEPHALOPATHY 6A; Dravet syndrome; Epileptic encephalopathy, early infantile, 6 (Dravet syndrome); Severe Myoclonic Epilepsy in Infancy (SMEI). Identifiers: Orphanet 33069, MedGen C0751122, MONDO:0100135, OMIM 607208.
Migraine, familial hemiplegic, 3. Identifiers: Orphanet 569, MedGen C1864987, MONDO:0012320, OMIM 609634.
Early-infantile DEE. Also called: Early infantile epileptic encephalopathy; Ohtahara syndrome; Early infantile epileptic encephalopathy with suppression bursts. Identifiers: Orphanet 1934, MedGen C0393706, MONDO:0800491.
Inborn genetic diseases. Identifiers: MedGen C0950123, MeSH D030342.
SCN1A seizure disorder.
SCN1A-related disorder. Also called: SCN1A-related disorders; SCN1A-related conditions; SCN1A-related condition.

Allele frequency attached by ClinVar (database versions not stated): gnomAD exomes below 0.00001; TOPMed below 0.00001; ExAC 0.00001; gnomAD 0.00001; 1000 Genomes Project 30x 0.00016; 1000 Genomes Project 0.00020.
gnomAD v4.1: 1 of 1,612,440 alleles (0.000062%); highest among the groups gnomAD compares: African/African-American, 0.0013%; no homozygotes.

Submissions (12):

Medical and Scientific Branch, Hong Kong Genome Institute
Classification: Pathogenic for Generalized epilepsy with febrile seizures plus, type 2. Last evaluated: 2026-01-26. Review status: criteria provided, single submitter. Criteria: ACMG Guidelines, 2015. Collection method: clinical testing. Allele origin: maternal. Affected: yes.

Labcorp Genetics (formerly Invitae), Labcorp
Classification: Pathogenic for Early-infantile DEE. Last evaluated: 2025-11-28. Review status: criteria provided, single submitter. Criteria: Invitae Variant Classification Sherloc (09022015). Collection method: clinical testing. Allele origin: germline.
Comment: This sequence change replaces arginine, which is basic and polar, with histidine, which is basic and polar, at codon 1596 of the SCN1A protein (p.Arg1596His). This variant is present in population databases (rs575368466, gnomAD 0.007%). This missense change has been observed in individual(s) with early onset epileptic encephalopathy and/or febrile seizures (PMID: 21248271, 26188943). It has also been observed to segregate with disease in related individuals. ClinVar contains an entry for this variant (Variation ID: 448255). Invitae Evidence Modeling of protein sequence and biophysical properties (such as structural, functional, and spatial information, amino acid conservation, physicochemical variation, residue mobility, and thermodynamic stability) indicates that this missense variant is expected to disrupt SCN1A protein function with a positive predictive value of 95%. This variant disrupts the p.Arg1596 amino acid residue in SCN1A. Other variant(s) that disrupt this residue have been determined to be pathogenic (PMID: 18804930, 18930999, 24328833, 25348405, 28202706). This suggests that this residue is clinically significant, and that variants that disrupt this residue are likely to be disease-causing. For these reasons, this variant has been classified as Pathogenic.

GeneDx
Classification: Uncertain significance. Last evaluated: 2025-11-04. Review status: criteria provided, single submitter. Criteria: GeneDx Variant Classification Process June 2021. Collection method: clinical testing. Allele origin: germline. Affected: yes.
Comment: Segregates with disease in affected individuals from several unrelated families with generalized epilepsy with febrile seizures plus (GEFS+) and other SCN1A-related disorders in published literature; however, R1596H was also identified in asymptomatic family members, possibly indicating incomplete penetrance (PMID: 26188943, 21248271, 35944423); In silico analysis supports that this missense variant has a deleterious effect on protein structure/function; This substitution is predicted to be within the intracellular loop between the S2 and S3 transmembrane segments of the fourth homologous domain; Not observed at significant frequency in large population cohorts (gnomAD); This variant is associated with the following publications: (PMID: 21248271, 28150151, 31009440, 35074891, 31440721, 34055682, 35571373, 32090326, 34992632, 35944423, 36231081, 38927456, 38785537, 36672274, 26188943)

Ambry Genetics
Classification: Pathogenic for Inborn genetic diseases. Last evaluated: 2025-03-20. Review status: criteria provided, single submitter. Criteria: Ambry Variant Classification Scheme 2023. Collection method: clinical testing. Allele origin: germline.
Comment: The c.4787G>A (p.R1596H) alteration is located in exon 25 (coding exon 25) of the SCN1A gene. This alteration results from a G to A substitution at nucleotide position 4787, causing the arginine (R) at amino acid position 1596 to be replaced by a histidine (H). Based on the available evidence, the SCN1A c.4787G>A (p.R1596H) alteration is classified as pathogenic for SCN1A-related seizure disorders; however, its clinical significance for SCN1A-related hemiplegic migraine is uncertain. Based on data from gnomAD, the A allele has an overall frequency of <0.001% (1/250118) total alleles studied. The highest observed frequency was 0.006% (1/16216) of African alleles. This variant was identified in one or more individuals with features consistent with SCN1A-related seizure disorders and segregated with disease in at least one family (Hoffman-Zacharska, 2015; Stawicka, 2024; Fang, 2022; Zuberi, 2011; Brunklaus, 2022). This amino acid position is highly conserved in available vertebrate species. This alteration is predicted to be deleterious by in silico analysis. Based on the available evidence, this alteration is classified as pathogenic.

Blueprint Genetics
Classification: Likely pathogenic for SCN1A-related disorders. Last evaluated: 2024-09-02. Review status: criteria provided, single submitter. Criteria: ACMG Guidelines, 2015. Collection method: clinical testing. Allele origin: germline. Affected: yes. Observed: 5 variant alleles.

Division of Genetic & Genomic Pathology, Hong Kong Children's Hospital
Classification: Pathogenic for SCN1A seizure disorder. Last evaluated: 2024-07-24. Review status: criteria provided, single submitter. Criteria: ACMG Guidelines, 2015. Collection method: clinical testing. Allele origin: germline. Affected: yes.
Comment: The SCN1A c.4787G>A p.(Arg1596His) missense variant is located in exon 28. The variant has only been reported once in control population (gnomAD v4.1.0: 1 in 74,916 African/African American alleles; absent in other genetic ancestry groups). It has a REVEL score of 0.866, which is predicted to be deleterious. The variant has been reported in multiple patients with SCN1A seizure disorders in literature (PMID: 21248271, 26188943, 28150151, 31009440, 34055682) and on ClinVar (accession: VCV000448255.40), with disease segregation demonstrated in multiple families (PMID: 26188943). Two other missense variants affecting the same codon, p.(Arg1596Cys) and p.(Arg1596Ser) have been deposited in ClinVar as pathogenic/likely pathogenic (accession: VCV000068553.39), and likely pathogenic (accession: VCV001993385.2) respectively. For these reasons, in accordance to the ClinGen epilepsy sodium channel expert panel specifications to the ACMG/AMP variant interpretation guidelines for SCN1A (v1.0.0), the SCN1A c.4787G>A p.(Arg1596His) variant is classified as pathogenic.

MGZ Medical Genetics Center
Classification: Likely pathogenic for Severe myoclonic epilepsy in infancy. Last evaluated: 2022-04-05. Review status: criteria provided, single submitter. Criteria: ACMG Guidelines, 2015. Collection method: clinical testing. Allele origin: germline. Affected: yes. Observed: 1 variant allele.
Comment: ACMG criteria applied: PM1, PM5, PM2_SUP, PP1, PP2, PP3

Revvity Omics, Revvity
Classification: Likely pathogenic. Last evaluated: 2022-02-04. Review status: criteria provided, single submitter. Criteria: ACMG Guidelines, 2015. Collection method: clinical testing. Allele origin: germline.

CeGaT Center for Human Genetics Tuebingen
Classification: Pathogenic. Last evaluated: 2022-01-01. Review status: criteria provided, single submitter. Criteria: CeGaT Center For Human Genetics Tuebingen Variant Classification Criteria Version 2. Collection method: clinical testing. Allele origin: germline. Affected: yes. Observed: 2 variant alleles.

Athena Diagnostics
Classification: Pathogenic. Last evaluated: 2017-05-09. Review status: criteria provided, single submitter. Criteria: Athena Diagnostics Criteria. Collection method: clinical testing. Allele origin: germline.

Juno Genomics, Hangzhou Juno Genomics, Inc
Classification: Pathogenic for Developmental and epileptic encephalopathy 6B; Severe myoclonic epilepsy in infancy; Generalized epilepsy with febrile seizures plus, type 2; Migraine, familial hemiplegic, 3. Review status: criteria provided, single submitter. Criteria: ACMG Guidelines, 2015. Collection method: clinical testing. Allele origin: germline.
Comment: Absent from controls (or at extremely low frequency if recessive) in Genome Aggregation Database.;Multiple lines of computational evidence support a deleterious effect on the gene or gene product.;Novel missense change at an amino acid residue where a different missense change determined to be pathogenic has been seen before.;The prevalence of the variant in affected individuals is significantly increased compared to the prevalence in controls.;Co-segregation with disease in multiple affected family members.

Solve-RD Consortium
Classification: Pathogenic for Generalized epilepsy with febrile seizures plus, type 2. Review status: criteria provided, single submitter. Criteria: ACMG Guidelines, 2015. Collection method: provider interpretation. Allele origin: germline. Inheritance: Autosomal dominant inheritance. Affected: yes. Study: Solve-RD DIFT-EpiCARE reanalysis.
Comment: PS4, PM1, PM2, PM5, PP3

Variant identified during reanalysis of unsolved cases by the Solve-RD project. The Solve-RD project has received funding from the European Union’s Horizon 2020 research and innovation programme under grant agreement No 779257.

Literature cited by the submitters: PubMed 21248271 (cited by 4 submitters); PubMed 26188943 (cited by 4 submitters); PubMed 18804930 (cited by Labcorp Genetics (formerly Invitae), Labcorp); PubMed 18930999 (cited by Labcorp Genetics (formerly Invitae), Labcorp); PubMed 24328833 (cited by Labcorp Genetics (formerly Invitae), Labcorp); PubMed 25348405 (cited by Labcorp Genetics (formerly Invitae), Labcorp); PubMed 28202706 (cited by Labcorp Genetics (formerly Invitae), Labcorp); PubMed 35074891 (cited by Ambry Genetics); PubMed 35944423 (cited by Ambry Genetics); PubMed 38785537 (cited by Ambry Genetics); PubMed 28150151 (cited by Division of Genetic & Genomic Pathology, Hong Kong Children's Hospital); PubMed 31009440 (cited by Division of Genetic & Genomic Pathology, Hong Kong Children's Hospital); PubMed 34055682 (cited by Division of Genetic & Genomic Pathology, Hong Kong Children's Hospital); PubMed 24136861 (cited by Athena Diagnostics).

NM_001165963.4(SCN1A):c.4787G>A (p.Arg1596His)

Genes: SCN1A (sodium voltage-gated channel alpha subunit 1; minus strand), LOC102724058 (uncharacterized LOC102724058; plus strand). Cytogenetic location: 2q24.3.
Variant type: single nucleotide variant.
Coding change: c.4787G>A on transcript NM_001165963.4 (MANE Select); coding-DNA position 4787, G replaced by A.
Protein change: p.Arg1596His; replaces arginine 1596 with histidine.
Molecular consequence: missense variant. On other transcripts: non-coding transcript variant (1).
Genome position (GRCh38, 1-based): chr2:165,994,211, C>T on the plus strand (G>A on the coding strand, the complement: SCN1A is on the minus strand). VCF-style: chr2-165994211-C-T. GRCh37 (hg19) VCF-style: chr2-166850721-C-T.
Other names: c.4787G>A (NM_001165963.3); c.4703G>A, p.Arg1568His (NM_001165964.3, NM_001353957.2, NM_001353958.2); c.4787G>A, p.Arg1596His (NM_001202435.3, NM_001353948.2); c.4754G>A, p.Arg1585His (NM_001353949.2, NM_001353950.2, NM_001353951.2 and 2 more transcripts); c.4751G>A, p.Arg1584His (NM_001353954.2, NM_001353955.2); c.4700G>A, p.Arg1567His (NM_001353960.2); c.2345G>A, p.Arg782His (NM_001353961.2); short protein forms R1585H, R1596H, R782H, R1567H, R1568H, R1584H.
Identifiers: ClinVar variation 448255 (VCV000448255.66), dbSNP rs575368466, ClinGen allele CA1942737.